The following is an entry in ClinVar:

NM_000051.4(ATM):c.203T>C (p.Ile68Thr)

Gene: ATM (ATM serine/threonine kinase; plus strand). Cytogenetic location: 11q22.3.
Variant type: single nucleotide variant.
Coding change: c.203T>C on transcript NM_000051.4 (MANE Select); coding-DNA position 203, T replaced by C.
Protein change: p.Ile68Thr; replaces isoleucine 68 with threonine.
Molecular consequence: missense variant.
Genome position (GRCh38, 1-based): chr11:108,229,195, T>C. VCF-style: chr11-108229195-T-C. GRCh37 (hg19) VCF-style: chr11-108099922-T-C.
Other names: c.203T>C, p.Ile68Thr (NM_001351836.2, NM_001351834.2, NM_001351835.2); short protein forms I68T.
Identifiers: ClinVar variation 650925 (VCV000650925.8), dbSNP rs1591451502, ClinGen allele CA382521255.

ClinVar aggregate classification (germline): Uncertain significance. Review status: criteria provided, multiple submitters, no conflicts (2 of 4 stars). 2 submissions from 2 submitters: Uncertain significance (2). Last evaluated 2024-05-16.

Conditions:
Ataxia-telangiectasia syndrome (AT). Also called: ATAXIA-TELANGIECTASIA, FRESNO VARIANT; Ataxia-telangiectasia, complementation group E; Ataxia telangiectasia (A-T); Cerebello-oculocutaneous telangiectasia; Immunodeficiency with ataxia telangiectasia; LOUIS-BAR SYNDROME. Identifiers: Orphanet 100, MedGen C0004135, MONDO:0008840, OMIM 208900.
Hereditary cancer-predisposing syndrome. Also called: Hereditary Cancer Syndrome; Tumor predisposition; Neoplastic Syndromes, Hereditary; Hereditary neoplastic syndrome. Identifiers: Orphanet 140162, MedGen C0027672, MeSH D009386, MONDO:0015356.

Submissions (2):

Labcorp Genetics (formerly Invitae), Labcorp
Classification: Uncertain significance for Ataxia-telangiectasia syndrome. Last evaluated: 2024-05-16. Review status: criteria provided, single submitter. Criteria: Invitae Variant Classification Sherloc (09022015). Collection method: clinical testing. Allele origin: germline.
Comment: This sequence change replaces isoleucine, which is neutral and non-polar, with threonine, which is neutral and polar, at codon 68 of the ATM protein (p.Ile68Thr). This variant is not present in population databases (gnomAD no frequency). This variant has not been reported in the literature in individuals affected with ATM-related conditions. ClinVar contains an entry for this variant (Variation ID: 650925). Advanced modeling of protein sequence and biophysical properties (such as structural, functional, and spatial information, amino acid conservation, physicochemical variation, residue mobility, and thermodynamic stability) performed at Invitae indicates that this missense variant is not expected to disrupt ATM protein function with a negative predictive value of 95%. In summary, the available evidence is currently insufficient to determine the role of this variant in disease. Therefore, it has been classified as a Variant of Uncertain Significance.

Ambry Genetics
Classification: Uncertain significance for Hereditary cancer-predisposing syndrome. Last evaluated: 2022-07-26. Review status: criteria provided, single submitter. Criteria: Ambry Variant Classification Scheme 2023. Collection method: clinical testing. Allele origin: germline.
Comment: The p.I68T variant (also known as c.203T>C), located in coding exon 3 of the ATM gene, results from a T to C substitution at nucleotide position 203. The isoleucine at codon 68 is replaced by threonine, an amino acid with similar properties. This amino acid position is not well conserved in available vertebrate species. In addition, this alteration is predicted to be deleterious by in silico analysis. Since supporting evidence is limited at this time, the clinical significance of this alteration remains unclear.